The following is an entry in ClinVar:

NM_002473.6(MYH9):c.1555-71T>C

Gene: MYH9 (myosin heavy chain 9; minus strand). Cytogenetic location: 22q12.3.
Variant type: single nucleotide variant.
Coding change: c.1555-71T>C on transcript NM_002473.6 (MANE Select); 71 bases into the intron before coding-DNA position 1555, T replaced by C.
Molecular consequence: intron variant.
Genome position (GRCh38, 1-based): chr22:36,312,293, A>G on the plus strand (T>C on the coding strand, the complement: MYH9 is on the minus strand). VCF-style: chr22-36312293-A-G. GRCh37 (hg19) VCF-style: chr22-36708338-A-G.
Identifiers: ClinVar variation 1243503 (VCV001243503.5), dbSNP rs2157257, ClinGen allele CA14939899.

ClinVar aggregate classification (germline): Benign. Review status: criteria provided, multiple submitters, no conflicts (2 of 4 stars). 3 submissions from 3 submitters: Benign (3). Last evaluated 2024-07-15.

Allele frequency attached by ClinVar (database versions not stated): 1000 Genomes Project 0.38119; 1000 Genomes Project 30x 0.38179; TOPMed 0.50430; gnomAD 0.51587 and 0.52157; gnomAD exomes 0.63317.
gnomAD v4.1: 953,153 of 1,537,632 alleles (62%); highest among the groups gnomAD compares: Non-Finnish European, 68%; 309,404 homozygotes.

Submissions (3):

Unidad de Genómica Garrahan, Hospital de Pediatría Garrahan
Classification: Benign. Last evaluated: 2024-07-15. Review status: criteria provided, single submitter. Criteria: ACMG Guidelines, 2015. Collection method: clinical testing. Allele origin: germline. Affected: no. Observed: 83 variant alleles.
Comment: This variant is classified as Benign based on local population frequency. This variant was detected in 89% of patients studied in a panel designed for Epileptic and Developmental Encephalopathy and Progressive Myoclonus Epilepsy. Number of patients: 83. Only high quality variants are reported.

GeneDx
Classification: Benign. Last evaluated: 2018-06-24. Review status: criteria provided, single submitter. Criteria: GeneDx Variant Classification Process June 2021. Collection method: clinical testing. Allele origin: germline. Affected: yes.

Breakthrough Genomics
Classification: Benign. Review status: criteria provided, single submitter. Criteria: ACMG Guidelines, 2015. Collection method: not provided. Allele origin: germline. Inheritance: Autosomal dominant inheritance. Affected: yes.